The following is an entry in ClinVar:

ClinVar aggregate classification (germline): Uncertain significance (1 of 4 stars; one submission).

Conditions:
Encephalopathy, acute, infection-induced (herpes-specific), susceptibility to, 1. Also called: Herpes simplex encephalitis, susceptibility to, 1. Identifiers: Orphanet 1930, MedGen C2750180, MONDO:0024563, OMIM 610551.

gnomAD v4.1: 1 of 1,614,096 alleles (0.000062%); highest among the groups gnomAD compares: Non-Finnish European, 0.000085%; no homozygotes.

Submission:

Labcorp Genetics (formerly Invitae), Labcorp
Classification: Uncertain significance for Encephalopathy, acute, infection-induced (herpes-specific), susceptibility to, 1. Last evaluated: 2025-12-01. Review status: criteria provided, single submitter. Criteria: Invitae Variant Classification Sherloc (09022015). Collection method: clinical testing. Allele origin: germline.
Comment: This sequence change replaces phenylalanine, which is neutral and non-polar, with cysteine, which is neutral and slightly polar, at codon 851 of the TLR3 protein (p.Phe851Cys). This variant is not present in population databases (gnomAD no frequency). This variant has not been reported in the literature in individuals affected with TLR3-related conditions. An algorithm developed to predict the effect of missense changes on protein structure and function (PolyPhen-2) suggests that this variant is likely to be disruptive. In summary, the available evidence is currently insufficient to determine the role of this variant in disease. Therefore, it has been classified as a Variant of Uncertain Significance.

NM_003265.3(TLR3):c.2552T>G (p.Phe851Cys)

Gene: TLR3 (toll like receptor 3; plus strand). Cytogenetic location: 4q35.1.
Variant type: single nucleotide variant.
Coding change: c.2552T>G on transcript NM_003265.3 (MANE Select); coding-DNA position 2552, T replaced by G.
Protein change: p.Phe851Cys; replaces phenylalanine 851 with cysteine.
Molecular consequence: missense variant.
Genome position (GRCh38, 1-based): chr4:186,084,710, T>G. VCF-style: chr4-186084710-T-G. GRCh37 (hg19) VCF-style: chr4-187005864-T-G.
Other names: short protein forms F851C.
Identifiers: ClinVar variation 4799569 (VCV004799569.1).